The following is an entry in ClinVar:

ClinVar aggregate classification (germline): Benign/Likely benign. Review status: criteria provided, multiple submitters, no conflicts (2 of 4 stars). 4 submissions from 4 submitters: Benign (1); Likely benign (3). Last evaluated 2025-07-06.

Conditions:
RAI1-related disorder. Also called: RAI1-related condition.
Inborn genetic diseases. Identifiers: MedGen C0950123, MeSH D030342.

Allele frequency attached by ClinVar (database versions not stated): gnomAD exomes 0.00001 and 0.00011; ExAC 0.00002; gnomAD 0.00003 and 0.00004; TOPMed 0.00003.
gnomAD v4.1: 161 of 1,612,538 alleles (0.01%); highest among the groups gnomAD compares: Non-Finnish European, 0.014%; no homozygotes.

Submissions (4):

Labcorp Genetics (formerly Invitae), Labcorp
Classification: Benign. Last evaluated: 2025-07-06. Review status: criteria provided, single submitter. Criteria: Invitae Variant Classification Sherloc (09022015). Collection method: clinical testing. Allele origin: germline.

PreventionGenetics, part of Exact Sciences
Classification: Likely benign for RAI1-related condition. Last evaluated: 2024-11-06. Review status: criteria provided, single submitter. Criteria: ACMG Guidelines, 2015. Collection method: clinical testing. Allele origin: germline.
Comment: This variant is classified as likely benign based on ACMG/AMP sequence variant interpretation guidelines (Richards et al. 2015 PMID: 25741868, with internal and published modifications).

Ambry Genetics
Classification: Likely benign for Inborn genetic diseases. Last evaluated: 2024-02-13. Review status: criteria provided, single submitter. Criteria: Ambry Variant Classification Scheme 2023. Collection method: clinical testing. Allele origin: germline.

GeneDx
Classification: Likely benign. Last evaluated: 2021-01-05. Review status: criteria provided, single submitter. Criteria: GeneDx Variant Classification Process June 2021. Collection method: clinical testing. Allele origin: germline. Affected: yes.

NM_030665.4(RAI1):c.5243C>T (p.Ala1748Val)

Gene: RAI1 (retinoic acid induced 1; plus strand). Cytogenetic location: 17p11.2.
Variant type: single nucleotide variant.
Coding change: c.5243C>T on transcript NM_030665.4 (MANE Select); coding-DNA position 5243, C replaced by T.
Protein change: p.Ala1748Val; replaces alanine 1748 with valine.
Molecular consequence: missense variant.
Genome position (GRCh38, 1-based): chr17:17,798,191, C>T. VCF-style: chr17-17798191-C-T. GRCh37 (hg19) VCF-style: chr17-17701505-C-T.
Other names: short protein forms A1748V.
Identifiers: ClinVar variation 1195766 (VCV001195766.13), dbSNP rs199929703, ClinGen allele CA8419120.